The following is an entry in ClinVar:

NM_001164508.2(NEB):c.21566A>T (p.Tyr7189Phe)

Genes: NEB (nebulin; minus strand), RIF1 (replication timing regulatory factor 1; plus strand). Cytogenetic location: 2q23.3.
Variant type: single nucleotide variant.
Coding change: c.21566A>T on transcript NM_001164508.2 (MANE Select); coding-DNA position 21566, A replaced by T.
Protein change: p.Tyr7189Phe; replaces tyrosine 7189 with phenylalanine.
Molecular consequence: missense variant.
Genome position (GRCh38, 1-based): chr2:151,531,058, T>A on the plus strand (A>T on the coding strand, the complement: NEB is on the minus strand). VCF-style: chr2-151531058-T-A. GRCh37 (hg19) VCF-style: chr2-152387572-T-A.
Other names: c.21566A>T, p.Tyr7189Phe (NM_001164507.2); c.21671A>T, p.Tyr7224Phe (NM_001271208.2); c.16463A>T, p.Tyr5488Phe (NM_004543.5); c.16463A>T (NM_004543.4); short protein forms Y7224F, Y5488F, Y7189F.
Identifiers: ClinVar variation 193959 (VCV000193959.8), dbSNP rs794727042, ClinGen allele CA239704.

ClinVar aggregate classification (germline): Uncertain significance. Review status: criteria provided, multiple submitters, no conflicts (2 of 4 stars). 3 submissions from 3 submitters: Uncertain significance (3). Last evaluated 2025-08-22.

Conditions:
Inborn genetic diseases. Identifiers: MedGen C0950123, MeSH D030342.
Nemaline myopathy 2 (NEM2). Also called: Nemaline myopathy 2, autosomal recessive. Identifiers: MedGen C1850569, MONDO:0009725, OMIM 256030.

Allele frequency attached by ClinVar (database versions not stated): gnomAD 0.00001; TOPMed 0.00002.
gnomAD v4.1: 35 of 1,613,506 alleles (0.0022%); highest among the groups gnomAD compares: Non-Finnish European, 0.0029%; no homozygotes.

Submissions (3):

Ambry Genetics
Classification: Uncertain significance for Inborn genetic diseases. Last evaluated: 2025-08-22. Review status: criteria provided, single submitter. Criteria: Ambry Variant Classification Scheme 2023. Collection method: clinical testing. Allele origin: germline.

Labcorp Genetics (formerly Invitae), Labcorp
Classification: Uncertain significance for Nemaline myopathy 2. Last evaluated: 2021-12-18. Review status: criteria provided, single submitter. Criteria: Invitae Variant Classification Sherloc (09022015). Collection method: clinical testing. Allele origin: germline.
Comment: This sequence change replaces tyrosine, which is neutral and polar, with phenylalanine, which is neutral and non-polar, at codon 7224 of the NEB protein (p.Tyr7224Phe). This variant is not present in population databases (gnomAD no frequency). This variant has not been reported in the literature in individuals affected with NEB-related conditions. ClinVar contains an entry for this variant (Variation ID: 193959). Algorithms developed to predict the effect of missense changes on protein structure and function are either unavailable or do not agree on the potential impact of this missense change (SIFT: "Deleterious"; PolyPhen-2: "Not Available"; Align-GVGD: "Class C0"). In summary, the available evidence is currently insufficient to determine the role of this variant in disease. Therefore, it has been classified as a Variant of Uncertain Significance.

Eurofins Ntd Llc (ga)
Classification: Uncertain significance. Last evaluated: 2015-01-15. Review status: criteria provided, single submitter. Criteria: EGL Classification Definitions 2015. Collection method: clinical testing. Allele origin: germline. Observed: 1 variant allele, 1 heterozygote.